The following is an entry in ClinVar:

ClinVar aggregate classification (germline): Uncertain significance (1 of 4 stars; one submission).

gnomAD v4.1: 2 of 1,614,192 alleles (0.00012%); highest among the groups gnomAD compares: Non-Finnish European, 0.00017%; no homozygotes.

Submission:

Labcorp Genetics (formerly Invitae), Labcorp
Classification: Uncertain significance. Last evaluated: 2022-03-23. Review status: criteria provided, single submitter. Criteria: Invitae Variant Classification Sherloc (09022015). Collection method: clinical testing. Allele origin: germline.
Comment: In summary, the available evidence is currently insufficient to determine the role of this variant in disease. Therefore, it has been classified as a Variant of Uncertain Significance. Algorithms developed to predict the effect of missense changes on protein structure and function are either unavailable or do not agree on the potential impact of this missense change (SIFT: "Deleterious"; PolyPhen-2: "Probably Damaging"; Align-GVGD: "Class C0"). This variant has not been reported in the literature in individuals affected with SLC1A4-related conditions. This variant is present in population databases (rs139389995, gnomAD 0.0009%). This sequence change replaces leucine, which is neutral and non-polar, with methionine, which is neutral and non-polar, at codon 303 of the SLC1A4 protein (p.Leu303Met).

NM_003038.5(SLC1A4):c.907T>A (p.Leu303Met)

Gene: SLC1A4 (solute carrier family 1 member 4; plus strand). Cytogenetic location: 2p14.
Variant type: single nucleotide variant.
Coding change: c.907T>A on transcript NM_003038.5 (MANE Select); coding-DNA position 907, T replaced by A.
Protein change: p.Leu303Met; replaces leucine 303 with methionine.
Molecular consequence: missense variant. On other transcripts: intron variant (1).
Genome position (GRCh38, 1-based): chr2:65,016,546, T>A. VCF-style: chr2-65016546-T-A. GRCh37 (hg19) VCF-style: chr2-65243680-T-A.
Other names: c.247T>A, p.Leu83Met (NM_001348406.2, NM_001348407.2); c.141-1525T>A (NM_001193493.2); short protein forms L83M, L303M.
Identifiers: ClinVar variation 1948358 (VCV001948358.5), dbSNP rs139389995, ClinGen allele CA1686008.
Genomic context (GRCh38, chr2:65,016,546, plus strand): 5'-GAAATGAAAGACATCATCGTGCTGGTGACCAGCCTGGGGAAATACATCTTCGCATCTATA[T>A]TGGGCCATGTTATTCATGGAGGAATTGTTCTGCCACTTATTTATTTTGTTTTCACACGAA-3'
Protein context (NP_003029.2, residues 293-313): SLGKYIFASI[Leu303Met]GHVIHGGIVL